The following is an entry in ClinVar:

ClinVar aggregate classification (germline): Uncertain significance. Review status: criteria provided, multiple submitters, no conflicts (2 of 4 stars). 2 submissions from 2 submitters: Uncertain significance (2). Last evaluated 2024-07-17.

gnomAD v4.1: 1 of 1,612,298 alleles (0.000062%); no homozygotes.

Submissions (2):

Ambry Genetics
Classification: Uncertain significance. Last evaluated: 2024-07-17. Review status: criteria provided, single submitter. Criteria: Ambry Variant Classification Scheme 2023. Collection method: clinical testing. Allele origin: germline.

Labcorp Genetics (formerly Invitae), Labcorp
Classification: Uncertain significance. Last evaluated: 2024-06-20. Review status: criteria provided, single submitter. Criteria: Invitae Variant Classification Sherloc (09022015). Collection method: clinical testing. Allele origin: germline.
Comment: This sequence change replaces phenylalanine, which is neutral and non-polar, with leucine, which is neutral and non-polar, at codon 262 of the STAT4 protein (p.Phe262Leu). This variant is not present in population databases (gnomAD no frequency). This variant has not been reported in the literature in individuals affected with STAT4-related conditions. Advanced modeling of protein sequence and biophysical properties (such as structural, functional, and spatial information, amino acid conservation, physicochemical variation, residue mobility, and thermodynamic stability) has been performed at Invitae for this missense variant, however the output from this modeling did not meet the statistical confidence thresholds required to predict the impact of this variant on STAT4 protein function. In summary, the available evidence is currently insufficient to determine the role of this variant in disease. Therefore, it has been classified as a Variant of Uncertain Significance.

NM_003151.4(STAT4):c.784T>C (p.Phe262Leu)

Gene: STAT4 (signal transducer and activator of transcription 4; minus strand). Cytogenetic location: 2q32.2.
Variant type: single nucleotide variant.
Coding change: c.784T>C on transcript NM_003151.4 (MANE Select); coding-DNA position 784, T replaced by C.
Protein change: p.Phe262Leu; replaces phenylalanine 262 with leucine.
Molecular consequence: missense variant.
Genome position (GRCh38, 1-based): chr2:191,062,919, A>G on the plus strand (T>C on the coding strand, the complement: STAT4 is on the minus strand). VCF-style: chr2-191062919-A-G. GRCh37 (hg19) VCF-style: chr2-191927645-A-G.
Other names: c.784T>C, p.Phe262Leu (NM_001243835.2); short protein forms F262L.
Identifiers: ClinVar variation 3450420 (VCV003450420.3).